The following is an entry in ClinVar:

ClinVar aggregate classification (germline): Likely benign. Review status: criteria provided, multiple submitters, no conflicts (2 of 4 stars). 2 submissions from 2 submitters: Likely benign (2). Last evaluated 2026-01-01.

Conditions:
Episodic ataxia type 2 (EA2). Also called: CEREBELLOPATHY, HEREDITARY PAROXYSMAL; ACETAZOLAMIDE-RESPONSIVE HEREDITARY PAROXYSMAL CEREBELLAR ATAXIA; ATAXIA, EPISODIC, WITH NYSTAGMUS; ATAXIA, FAMILIAL PAROXYSMAL; CEREBELLAR ATAXIA, PAROXYSMAL, ACETAZOLAMIDE-RESPONSIVE; EPISODIC ATAXIA, NYSTAGMUS-ASSOCIATED. Identifiers: Orphanet 97, MedGen C1720416, MONDO:0007163, OMIM 108500.
Developmental and epileptic encephalopathy, 42 (DEE42A). Also called: DEVELOPMENTAL AND EPILEPTIC ENCEPHALOPATHY 42A; EPILEPTIC ENCEPHALOPATHY, EARLY INFANTILE, 42A; Epileptic encephalopathy, early infantile, 42. Identifiers: MedGen C4310716, MONDO:0014917, OMIM 617106.

Allele frequency attached by ClinVar (database versions not stated): gnomAD exomes below 0.00001 and 0.00001; ExAC 0.00002; gnomAD 0.00004; TOPMed 0.00006.
gnomAD v4.1: 11 of 1,613,814 alleles (0.00068%); highest among the groups gnomAD compares: African/African-American, 0.012%; no homozygotes.

Submissions (2):

CeGaT Center for Human Genetics Tuebingen
Classification: Likely benign. Last evaluated: 2026-01-01. Review status: criteria provided, single submitter. Criteria: CeGaT Center For Human Genetics Tuebingen Variant Classification Criteria Version 2. Collection method: clinical testing. Allele origin: germline. Affected: yes. Observed: 1 variant allele.
Comment: CACNA1A: BP4, BP7

Labcorp Genetics (formerly Invitae), Labcorp
Classification: Likely benign for Developmental and epileptic encephalopathy, 42; Episodic ataxia type 2. Last evaluated: 2025-11-03. Review status: criteria provided, single submitter. Criteria: Invitae Variant Classification Sherloc (09022015). Collection method: clinical testing. Allele origin: germline.

NM_001127222.2(CACNA1A):c.3612G>A (p.Glu1204=)

Gene: CACNA1A (calcium voltage-gated channel subunit alpha1 A; minus strand). Cytogenetic location: 19p13.13.
Variant type: single nucleotide variant.
Coding change: c.3612G>A on transcript NM_001127222.2 (MANE Select); coding-DNA position 3612, G replaced by A.
Protein change: p.Glu1204=; no amino-acid change (glutamic acid 1204 retained).
Molecular consequence: synonymous variant.
Genome position (GRCh38, 1-based): chr19:13,285,148, C>T on the plus strand (G>A on the coding strand, the complement: CACNA1A is on the minus strand). VCF-style: chr19-13285148-C-T. GRCh37 (hg19) VCF-style: chr19-13395962-C-T.
Other names: c.3624G>A, p.Glu1208= (NM_000068.4, NM_023035.3); c.3615G>A, p.Glu1205= (NM_001127221.2, NM_001174080.2).
Identifiers: ClinVar variation 1115498 (VCV001115498.13), dbSNP rs749273165, ClinGen allele CA9240258.